The following is an entry in ClinVar:

NM_000051.4(ATM):c.5053A>T (p.Thr1685Ser)

Gene: ATM (ATM serine/threonine kinase; plus strand). Cytogenetic location: 11q22.3.
Variant type: single nucleotide variant.
Coding change: c.5053A>T on transcript NM_000051.4 (MANE Select); coding-DNA position 5053, A replaced by T.
Protein change: p.Thr1685Ser; replaces threonine 1685 with serine.
Molecular consequence: missense variant.
Genome position (GRCh38, 1-based): chr11:108,299,761, A>T. VCF-style: chr11-108299761-A-T. GRCh37 (hg19) VCF-style: chr11-108170488-A-T.
Other names: c.5053A>T, p.Thr1685Ser (NM_001351834.2); short protein forms T1685S.
Identifiers: ClinVar variation 1937863 (VCV001937863.5), dbSNP rs879254205, ClinGen allele CA382540464.

ClinVar aggregate classification (germline): Uncertain significance (1 of 4 stars; one submission).

Conditions:
Ataxia-telangiectasia syndrome (AT). Also called: Ataxia-telangiectasia, complementation group D; AT, COMPLEMENTATION GROUP C; Ataxia-telangiectasia; Ataxia telangiectasia (A-T); Cerebello-oculocutaneous telangiectasia; Immunodeficiency with ataxia telangiectasia. Identifiers: Orphanet 100, MedGen C0004135, MONDO:0008840, OMIM 208900.

gnomAD v4.1: 1 of 1,613,998 alleles (0.000062%); highest among the groups gnomAD compares: Non-Finnish European, 0.000085%; no homozygotes.

Submission:

Labcorp Genetics (formerly Invitae), Labcorp
Classification: Uncertain significance for Ataxia-telangiectasia syndrome. Last evaluated: 2022-06-22. Review status: criteria provided, single submitter. Criteria: Invitae Variant Classification Sherloc (09022015). Collection method: clinical testing. Allele origin: germline.
Comment: In summary, the available evidence is currently insufficient to determine the role of this variant in disease. Therefore, it has been classified as a Variant of Uncertain Significance. This sequence change replaces threonine, which is neutral and polar, with serine, which is neutral and polar, at codon 1685 of the ATM protein (p.Thr1685Ser). This variant is not present in population databases (gnomAD no frequency). This variant has not been reported in the literature in individuals affected with ATM-related conditions. Advanced modeling of protein sequence and biophysical properties (such as structural, functional, and spatial information, amino acid conservation, physicochemical variation, residue mobility, and thermodynamic stability) performed at Invitae indicates that this missense variant is not expected to disrupt ATM protein function. Algorithms developed to predict the effect of sequence changes on RNA splicing suggest that this variant may create or strengthen a splice site.